The following is an entry in ClinVar:

ClinVar aggregate classification (germline): Uncertain significance (1 of 4 stars; one submission).

Submission:

GeneDx
Classification: Uncertain significance. Last evaluated: 2023-05-10. Review status: criteria provided, single submitter. Criteria: GeneDx Variant Classification Process June 2021. Collection method: clinical testing. Allele origin: germline. Affected: yes.
Comment: Not observed at significant frequency in large population cohorts (gnomAD); In silico analysis supports that this missense variant has a deleterious effect on protein structure/function; Has not been previously published as pathogenic or benign to our knowledge

NM_173495.3(PTCHD1):c.2048A>G (p.Asn683Ser)

Gene: PTCHD1 (patched domain containing 1; plus strand). Cytogenetic location: Xp22.11.
Variant type: single nucleotide variant.
Coding change: c.2048A>G on transcript NM_173495.3 (MANE Select); coding-DNA position 2048, A replaced by G.
Protein change: p.Asn683Ser; replaces asparagine 683 with serine.
Molecular consequence: missense variant.
Genome position (GRCh38, 1-based): chrX:23,393,566, A>G. VCF-style: chrX-23393566-A-G. GRCh37 (hg19) VCF-style: chrX-23411683-A-G.
Other names: short protein forms N683S.
Identifiers: ClinVar variation 1306558 (VCV001306558.3), dbSNP rs2146652710, ClinGen allele CA412587101.